The following is an entry in ClinVar:

NM_000051.4(ATM):c.646G>T (p.Ala216Ser)

Gene: ATM (ATM serine/threonine kinase; plus strand). Cytogenetic location: 11q22.3.
Variant type: single nucleotide variant.
Coding change: c.646G>T on transcript NM_000051.4 (MANE Select); coding-DNA position 646, G replaced by T.
Protein change: p.Ala216Ser; replaces alanine 216 with serine.
Molecular consequence: missense variant.
Genome position (GRCh38, 1-based): chr11:108,244,102, G>T. VCF-style: chr11-108244102-G-T. GRCh37 (hg19) VCF-style: chr11-108114829-G-T.
Other names: c.646G>T, p.Ala216Ser (NM_001351834.2); short protein forms A216S.
Identifiers: ClinVar variation 141750 (VCV000141750.39), dbSNP rs2235002, ClinGen allele CA166296.

ClinVar aggregate classification (germline): Conflicting classifications of pathogenicity. Review status: criteria provided, conflicting classifications (1 of 4 stars). 11 submissions from 11 submitters: Uncertain significance (9); Likely benign (1). 1 of the submissions does not count toward it. Last evaluated 2026-01-11.

Conditions:
ATM-related disorder. Also called: ATM-related disorders; ATM-related condition.
Hereditary cancer-predisposing syndrome. Also called: Tumor predisposition; Neoplastic Syndromes, Hereditary; Hereditary neoplastic syndrome; Hereditary Cancer Syndrome. Identifiers: Orphanet 140162, MedGen C0027672, MeSH D009386, MONDO:0015356.
Familial cancer of breast. Also called: BREAST CANCER, FAMILIAL; Hereditary breast cancer; hereditary breast carcinoma. Identifiers: Orphanet 227535, MedGen C0346153, MONDO:0016419, OMIM 114480. Disease mechanism: loss of function.
Ataxia-telangiectasia syndrome (AT). Also called: Ataxia-telangiectasia, complementation group D; AT, COMPLEMENTATION GROUP C; Cerebello-oculocutaneous telangiectasia; Immunodeficiency with ataxia telangiectasia; ATAXIA-TELANGIECTASIA, COMPLEMENTATION GROUP A; ATAXIA-TELANGIECTASIA, FRESNO VARIANT. Identifiers: Orphanet 100, MedGen C0004135, MONDO:0008840, OMIM 208900.

Allele frequency attached by ClinVar (database versions not stated): gnomAD exomes 0.00001; TOPMed 0.00006.
gnomAD v4.1: 31 of 1,613,558 alleles (0.0019%); highest among the groups gnomAD compares: African/African-American, 0.015%; no homozygotes.

Submissions (11):

Labcorp Genetics (formerly Invitae), Labcorp
Classification: Uncertain significance for Ataxia-telangiectasia syndrome. Last evaluated: 2026-01-11. Review status: criteria provided, single submitter. Criteria: Invitae Variant Classification Sherloc (09022015). Collection method: clinical testing. Allele origin: germline.
Comment: This sequence change replaces alanine, which is neutral and non-polar, with serine, which is neutral and polar, at codon 216 of the ATM protein (p.Ala216Ser). The frequency data for this variant in the population databases is considered unreliable, as metrics indicate poor data quality at this position in the gnomAD database. This variant has not been reported in the literature in individuals affected with ATM-related conditions. ClinVar contains an entry for this variant (Variation ID: 141750). Invitae Evidence Modeling of protein sequence and biophysical properties (such as structural, functional, and spatial information, amino acid conservation, physicochemical variation, residue mobility, and thermodynamic stability) indicates that this missense variant is not expected to disrupt ATM protein function with a negative predictive value of 95%. In summary, the available evidence is currently insufficient to determine the role of this variant in disease. Therefore, it has been classified as a Variant of Uncertain Significance.

Women's Health and Genetics/Laboratory Corporation of America, LabCorp
Classification: Uncertain significance. Last evaluated: 2026-01-02. Review status: criteria provided, single submitter. Criteria: LabCorp Variant Classification Summary - May 2015. Collection method: clinical testing. Allele origin: germline.
Comment: Variant summary: ATM c.646G>T (p.Ala216Ser) results in a conservative amino acid change in the encoded protein sequence. Algorithms developed to predict the effect of missense changes on protein structure and function all suggest that this variant is likely to be tolerated. The variant allele was found at a frequency of 1.6e-05 in 251182 control chromosomes. The available data on variant occurrences in the general population are insufficient to allow any conclusion about variant significance. To our knowledge, no occurrence of c.646G>T in individuals affected with ATM-related conditions and no experimental evidence demonstrating its impact on protein function have been reported. ClinVar contains an entry for this variant (Variation ID: 141750). Based on the evidence outlined above, the variant was classified as uncertain significance.

PreventionGenetics, part of Exact Sciences
Classification: Uncertain significance for ATM-related condition. Last evaluated: 2025-09-15. Review status: criteria provided, single submitter. Criteria: ACMG Guidelines, 2015. Collection method: clinical testing. Allele origin: germline.
Comment: The ATM c.646G>T variant is predicted to result in the amino acid substitution p.Ala216Ser. This variant has been reported in the literature in one individual with breast cancer (Decker et al. 2017. PubMed ID: 28779002) and in two individuals with unknown cancer status from a prostate cancer study (Matejcic et al. 2020. PubMed ID: 32832836). This variant has also been reported in individuals without cancer (Tavtigian et al. 2009. PubMed ID: 19781682, Thorstenson et al. 2001. PubMed ID: 11443540). This variant is reported in 0.0080% of alleles in individuals of African descent in gnomAD and is interpreted as uncertain in ClinVar (Variation ID:141750). At this time, the clinical significance of this variant is uncertain due to the absence of conclusive functional and genetic evidence.

Color Diagnostics, LLC DBA Color Health
Classification: Uncertain significance for Hereditary cancer-predisposing syndrome. Last evaluated: 2025-08-05. Review status: criteria provided, single submitter. Criteria: ACMG Guidelines, 2015. Collection method: clinical testing. Allele origin: germline.
Comment: This missense variant replaces alanine with serine at codon 216 of the ATM protein. Computational prediction suggests that this variant may not impact protein structure and function. To our knowledge, functional studies have not been reported for this variant. This variant has been reported in one individual each affected with breast cancer (PMID: 28779002) and leukemia (PMID: 26689913). This variant also has been reported in individuals without cancer (PMID: 19781682FLOSSIES database) or has no obvious genetic disease (PMID: 11443540). This variant has been identified in 4/246010 chromosomes in the general population by the Genome Aggregation Database (gnomAD). The available evidence is insufficient to determine the role of this variant in disease conclusively. Therefore, this variant is classified as a Variant of Uncertain Significance.

Ambry Genetics
Classification: Likely benign for Hereditary cancer-predisposing syndrome. Last evaluated: 2025-06-17. Review status: criteria provided, single submitter. Criteria: Ambry Variant Classification Scheme 2023. Collection method: clinical testing. Allele origin: germline.

Athena Diagnostics
Classification: Uncertain significance. Last evaluated: 2025-06-11. Review status: criteria provided, single submitter. Criteria: Athena Diagnostics Criteria. Collection method: clinical testing. Allele origin: unknown.
Comment: Available data are insufficient to determine the clinical significance of the variant at this time. The frequency of this variant in the general population is uninformative in assessment of its pathogenicity. Polyphen and MutationTaster predict this amino acid change may be benign.

Quest Diagnostics Nichols Institute San Juan Capistrano
Classification: Uncertain significance. Last evaluated: 2024-04-14. Review status: criteria provided, single submitter. Criteria: Quest Diagnostics criteria. Collection method: clinical testing. Allele origin: unknown.

Baylor Genetics
Classification: Uncertain significance for Familial cancer of breast. Last evaluated: 2024-03-10. Review status: criteria provided, single submitter. Criteria: ACMG Guidelines, 2015. Collection method: clinical testing. Allele origin: unknown.

GeneDx
Classification: Uncertain significance. Last evaluated: 2024-01-26. Review status: criteria provided, single submitter. Criteria: GeneDx Variant Classification Process June 2021. Collection method: clinical testing. Allele origin: germline. Affected: yes.
Comment: Not observed at significant frequency in large population cohorts (gnomAD); In silico analysis supports that this missense variant does not alter protein structure/function; Observed in individuals with breast cancer or leukemia, but also in healthy controls (PMID: 19781682, 26689913, 28779002, 33471991); This variant is associated with the following publications: (PMID: 28779002, 11443540, 19781682, 22529920, 26689913, 27720647, 15026370, 33471991)

Blueprint Genetics
Classification: Uncertain significance. Last evaluated: 2021-12-10. Review status: criteria provided, single submitter. Criteria: ACMG Guidelines, 2015. Collection method: clinical testing. Allele origin: germline.

Natera, Inc.
Classification: Uncertain significance for Ataxia-telangiectasia. Last evaluated: 2020-09-16. Review status: no assertion criteria provided. Collection method: clinical testing. Allele origin: germline. Not counted in ClinVar's aggregate classification.

Literature cited by the submitters: PubMed 11443540 (cited by 3 submitters); PubMed 19781682 (cited by 3 submitters); PubMed 26689913 (cited by Color Diagnostics, LLC DBA Color Health and Quest Diagnostics Nichols Institute San Juan Capistrano); PubMed 28779002 (cited by 4 submitters); PubMed 33471991 (cited by 3 submitters); PubMed 39427061 (cited by Athena Diagnostics); PubMed 38489015 (cited by Athena Diagnostics); PubMed 38153744 (cited by Athena Diagnostics); PubMed 32832836 (cited by Quest Diagnostics Nichols Institute San Juan Capistrano).